The following is an entry in ClinVar:

NM_172107.4(KCNQ2):c.387+1G>A

Gene: KCNQ2 (potassium voltage-gated channel subfamily Q member 2; minus strand). Cytogenetic location: 20q13.33.
Variant type: single nucleotide variant.
Coding change: c.387+1G>A on transcript NM_172107.4 (MANE Select); the canonical splice donor site of the intron after coding-DNA position 387, G replaced by A.
Molecular consequence: splice donor variant.
Genome position (GRCh38, 1-based): chr20:63,446,746, C>T on the plus strand (G>A on the coding strand, the complement: KCNQ2 is on the minus strand). VCF-style: chr20-63446746-C-T. GRCh37 (hg19) VCF-style: chr20-62078099-C-T.
Other names: c.387+1G>A (NM_004518.6, NM_172108.5, NM_172106.3 and 2 more transcripts).
Identifiers: ClinVar variation 2034758 (VCV002034758.5), dbSNP rs118192195, ClinGen allele CA409656286.

ClinVar aggregate classification (germline): Pathogenic/Likely pathogenic. Review status: criteria provided, multiple submitters, no conflicts (2 of 4 stars). 2 submissions from 2 submitters: Pathogenic (1); Likely pathogenic (1). Last evaluated 2024-06-05.

Conditions:
Early-infantile DEE. Also called: Early infantile epileptic encephalopathy with suppression bursts; Early infantile epileptic encephalopathy; Ohtahara syndrome. Identifiers: Orphanet 1934, MedGen C0393706, MONDO:0800491.
Seizures, benign familial neonatal, 1. Also called: Benign Neonatal Epilepsy 1; KCNQ2-Related Self-Limited Familial Neonatal Epilepsy (SLFNE); Seizures, benign neonatal, 1; KCNQ2-Related Benign Familial Neonatal Epilepsy. Identifiers: Orphanet 1949, MedGen C3149074, MONDO:0007365, OMIM 121200.

Submissions (2):

Palindrome, Gene Kavoshgaran Aria
Classification: Pathogenic for Seizures, benign familial neonatal, 1. Last evaluated: 2024-06-05. Review status: criteria provided, single submitter. Criteria: ACMG Guidelines, 2015. Collection method: clinical testing. Allele origin: germline. Inheritance: Autosomal dominant inheritance. Affected: yes. Observed: 1 heterozygote.

Labcorp Genetics (formerly Invitae), Labcorp
Classification: Likely pathogenic for Early-infantile DEE. Last evaluated: 2023-12-03. Review status: criteria provided, single submitter. Criteria: Invitae Variant Classification Sherloc (09022015). Collection method: clinical testing. Allele origin: germline.
Comment: This sequence change affects a donor splice site in intron 2 of the KCNQ2 gene. It is expected to disrupt RNA splicing. Variants that disrupt the donor or acceptor splice site typically lead to a loss of protein function (PMID: 16199547), and loss-of-function variants in KCNQ2 are known to be pathogenic (PMID: 14534157, 23692823, 27779742). This variant is not present in population databases (gnomAD no frequency). This variant has not been reported in the literature in individuals affected with KCNQ2-related conditions. ClinVar contains an entry for this variant (Variation ID: 2034758). Algorithms developed to predict the effect of sequence changes on RNA splicing suggest that this variant may disrupt the consensus splice site. In summary, the currently available evidence indicates that the variant is pathogenic, but additional data are needed to prove that conclusively. Therefore, this variant has been classified as Likely Pathogenic.

Literature cited by the submitters: PubMed 16199547 (cited by Labcorp Genetics (formerly Invitae), Labcorp); PubMed 14534157 (cited by Labcorp Genetics (formerly Invitae), Labcorp); PubMed 23692823 (cited by Labcorp Genetics (formerly Invitae), Labcorp); PubMed 27779742 (cited by Labcorp Genetics (formerly Invitae), Labcorp).